The following is an entry in ClinVar:

NM_002474.3(MYH11):c.5003G>C (p.Arg1668Thr)

Genes: NDE1 (nudE neurodevelopment protein 1; plus strand), MYH11 (myosin heavy chain 11; minus strand). Cytogenetic location: 16p13.11.
Variant type: single nucleotide variant.
Coding change: c.5003G>C on transcript NM_002474.3 (MANE Select); coding-DNA position 5003, G replaced by C.
Protein change: p.Arg1668Thr; replaces arginine 1668 with threonine.
Molecular consequence: missense variant. On other transcripts: intron variant (2).
Genome position (GRCh38, 1-based): chr16:15,719,664, C>G on the plus strand (G>C on the coding strand, the complement: MYH11 is on the minus strand). VCF-style: chr16-15719664-C-G. GRCh37 (hg19) VCF-style: chr16-15813521-C-G.
Other names: c.5024G>C, p.Arg1675Thr (NM_001040113.2, NM_001040114.2); c.5003G>C, p.Arg1668Thr (NM_022844.3); c.948-4527C>G (NM_001143979.2, NM_017668.3); short protein forms R1668T, R1675T.
Identifiers: ClinVar variation 2075584 (VCV002075584.4), dbSNP rs890481446, ClinGen allele CA278597443.

ClinVar aggregate classification (germline): Uncertain significance (1 of 4 stars; one submission).

Conditions:
Aortic aneurysm, familial thoracic 4 (AAT4). Also called: AORTIC ANEURYSM/AORTIC DISSECTION AND PATENT DUCTUS ARTERIOSUS. Identifiers: MedGen C1851504, MONDO:0007568, OMIM 132900.

Submission:

Labcorp Genetics (formerly Invitae), Labcorp
Classification: Uncertain significance for Aortic aneurysm, familial thoracic 4. Last evaluated: 2022-10-17. Review status: criteria provided, single submitter. Criteria: Invitae Variant Classification Sherloc (09022015). Collection method: clinical testing. Allele origin: germline.
Comment: In summary, the available evidence is currently insufficient to determine the role of this variant in disease. Therefore, it has been classified as a Variant of Uncertain Significance. This sequence change replaces arginine, which is basic and polar, with threonine, which is neutral and polar, at codon 1675 of the MYH11 protein (p.Arg1675Thr). This variant is not present in population databases (gnomAD no frequency). This variant has not been reported in the literature in individuals affected with MYH11-related conditions. Advanced modeling of protein sequence and biophysical properties (such as structural, functional, and spatial information, amino acid conservation, physicochemical variation, residue mobility, and thermodynamic stability) performed at Invitae indicates that this missense variant is not expected to disrupt MYH11 protein function.